The following is an entry in ClinVar:

ClinVar aggregate classification (germline): Uncertain significance. Review status: criteria provided, multiple submitters, no conflicts (2 of 4 stars). 2 submissions from 2 submitters: Uncertain significance (2). Last evaluated 2024-05-02.

Conditions:
Inborn genetic diseases. Identifiers: MedGen C0950123, MeSH D030342.

Allele frequency attached by ClinVar (database versions not stated): ExAC 0.00002; gnomAD exomes 0.00002; gnomAD 0.00003 and 0.00004; TOPMed 0.00003.
gnomAD v4.1: 56 of 1,605,582 alleles (0.0035%); highest among the groups gnomAD compares: Non-Finnish European, 0.0044%; no homozygotes.

Submissions (2):

Ambry Genetics
Classification: Uncertain significance for Inborn genetic diseases. Last evaluated: 2024-05-02. Review status: criteria provided, single submitter. Criteria: Ambry Variant Classification Scheme 2023. Collection method: clinical testing. Allele origin: germline.

Labcorp Genetics (formerly Invitae), Labcorp
Classification: Uncertain significance. Last evaluated: 2023-03-23. Review status: criteria provided, single submitter. Criteria: Invitae Variant Classification Sherloc (09022015). Collection method: clinical testing. Allele origin: germline.
Comment: In summary, the available evidence is currently insufficient to determine the role of this variant in disease. Therefore, it has been classified as a Variant of Uncertain Significance. Algorithms developed to predict the effect of missense changes on protein structure and function output the following: SIFT: "Not Available"; PolyPhen-2: "Benign"; Align-GVGD: "Not Available". The glutamine amino acid residue is found in multiple mammalian species, which suggests that this missense change does not adversely affect protein function. ClinVar contains an entry for this variant (Variation ID: 1418613). This variant has not been reported in the literature in individuals affected with DDRGK1-related conditions. This variant is present in population databases (rs758827629, gnomAD 0.004%). This sequence change replaces arginine, which is basic and polar, with glutamine, which is neutral and polar, at codon 46 of the DDRGK1 protein (p.Arg46Gln).

NM_023935.3(DDRGK1):c.137G>A (p.Arg46Gln)

Gene: DDRGK1 (DDRGK domain containing 1; minus strand). Cytogenetic location: 20p13.
Variant type: single nucleotide variant.
Coding change: c.137G>A on transcript NM_023935.3 (MANE Select); coding-DNA position 137, G replaced by A.
Protein change: p.Arg46Gln; replaces arginine 46 with glutamine.
Molecular consequence: missense variant.
Genome position (GRCh38, 1-based): chr20:3,203,371, C>T on the plus strand (G>A on the coding strand, the complement: DDRGK1 is on the minus strand). VCF-style: chr20-3203371-C-T. GRCh37 (hg19) VCF-style: chr20-3184017-C-T.
Other names: c.137G>A (NM_023935.1); short protein forms R46Q.
Identifiers: ClinVar variation 1418613 (VCV001418613.5), dbSNP rs758827629, ClinGen allele CA9741027.
Genomic context (GRCh38, chr20:3,203,371, plus strand): 5'-CGCCGAGGCCTGCCTCCAGCTCTCGGCTCCTCAGGCTCCAGGGGCCCAGGCTGGGCCACC[C>T]GGCCTGCTCCTGCCAGCTCCTCATTGTGCAGTGGCTCTTGGCCGGCTGTAGGGAAGACAG-3'
Protein context (NP_076424.1, residues 36-56): LHNEELAGAG[Arg46Gln]VAQPGPLEPE